The following is an entry in ClinVar:

NM_020461.4(TUBGCP6):c.4043C>T (p.Ser1348Leu)

Gene: TUBGCP6 (tubulin gamma complex component 6; minus strand). Cytogenetic location: 22q13.33.
Variant type: single nucleotide variant.
Coding change: c.4043C>T on transcript NM_020461.4 (MANE Select); coding-DNA position 4043, C replaced by T.
Protein change: p.Ser1348Leu; replaces serine 1348 with leucine.
Molecular consequence: missense variant.
Genome position (GRCh38, 1-based): chr22:50,220,316, G>A on the plus strand (C>T on the coding strand, the complement: TUBGCP6 is on the minus strand). VCF-style: chr22-50220316-G-A. GRCh37 (hg19) VCF-style: chr22-50658745-G-A.
Other names: short protein forms S1348L.
Identifiers: ClinVar variation 1036504 (VCV001036504.9), dbSNP rs2064495444, ClinGen allele CA412177324.

ClinVar aggregate classification (germline): Uncertain significance (1 of 4 stars; one submission).

Allele frequency attached by ClinVar (database versions not stated): gnomAD exomes below 0.00001.
gnomAD v4.1: 1 of 1,576,930 alleles (0.000063%); highest among the groups gnomAD compares: Non-Finnish European, 0.000086%; no homozygotes.

Submission:

Labcorp Genetics (formerly Invitae), Labcorp
Classification: Uncertain significance. Last evaluated: 2020-01-27. Review status: criteria provided, single submitter. Criteria: Invitae Variant Classification Sherloc (09022015). Collection method: clinical testing. Allele origin: germline.
Comment: Algorithms developed to predict the effect of missense changes on protein structure and function (SIFT, PolyPhen-2, Align-GVGD) all suggest that this variant is likely to be tolerated, but these predictions have not been confirmed by published functional studies and their clinical significance is uncertain. This sequence change replaces serine with leucine at codon 1348 of the TUBGCP6 protein (p.Ser1348Leu). The serine residue is weakly conserved and there is a large physicochemical difference between serine and leucine. This variant is not present in population databases (ExAC no frequency). This variant has not been reported in the literature in individuals with TUBGCP6-related conditions. In summary, the available evidence is currently insufficient to determine the role of this variant in disease. Therefore, it has been classified as a Variant of Uncertain Significance.